The following is an entry in ClinVar:

NM_207361.6(FREM2):c.3811G>A (p.Glu1271Lys)

Gene: FREM2 (FRAS1 related extracellular matrix 2; plus strand). Cytogenetic location: 13q13.3.
Variant type: single nucleotide variant.
Coding change: c.3811G>A on transcript NM_207361.6 (MANE Select); coding-DNA position 3811, G replaced by A.
Protein change: p.Glu1271Lys; replaces glutamic acid 1271 with lysine.
Molecular consequence: missense variant.
Genome position (GRCh38, 1-based): chr13:38,691,155, G>A. VCF-style: chr13-38691155-G-A. GRCh37 (hg19) VCF-style: chr13-39265292-G-A.
Other names: short protein forms E1271K.
Identifiers: ClinVar variation 3352606 (VCV003352606.1).

ClinVar aggregate classification (germline): Uncertain significance (0 of 4 stars; one submission).

Conditions:
FREM2-related disorder. Also called: FREM2-related condition.

gnomAD v4.1: 10 of 1,613,906 alleles (0.00062%); highest among the groups gnomAD compares: Middle Eastern, 0.016%; no homozygotes.

Submission:

PreventionGenetics, part of Exact Sciences
Classification: Uncertain significance for FREM2-related condition. Last evaluated: 2024-09-23. Review status: no assertion criteria provided. Collection method: clinical testing. Allele origin: germline.
Comment: The FREM2 c.3811G>A variant is predicted to result in the amino acid substitution p.Glu1271Lys. To our knowledge, this variant has not been reported in the literature. This variant is reported in 0.0054% of alleles in individuals of East Asian descent in gnomAD. At this time, the clinical significance of this variant is uncertain due to the absence of conclusive functional and genetic evidence.